The following is an entry in ClinVar:

NM_182493.3(MYLK3):c.1379A>C (p.Gln460Pro)

Gene: MYLK3 (myosin light chain kinase 3; minus strand). Cytogenetic location: 16q11.2.
Variant type: single nucleotide variant.
Coding change: c.1379A>C on transcript NM_182493.3 (MANE Select); coding-DNA position 1379, A replaced by C.
Protein change: p.Gln460Pro; replaces glutamine 460 with proline.
Molecular consequence: missense variant.
Genome position (GRCh38, 1-based): chr16:46,732,291, T>G on the plus strand (A>C on the coding strand, the complement: MYLK3 is on the minus strand). VCF-style: chr16-46732291-T-G. GRCh37 (hg19) VCF-style: chr16-46766203-T-G.
Other names: c.356A>C, p.Gln119Pro (NM_001308301.1); short protein forms Q119P, Q460P.
Identifiers: ClinVar variation 4727666 (VCV004727666.1).

ClinVar aggregate classification (germline): Uncertain significance (1 of 4 stars; one submission).

Submission:

Labcorp Genetics (formerly Invitae), Labcorp
Classification: Uncertain significance. Last evaluated: 2025-09-22. Review status: criteria provided, single submitter. Criteria: Invitae Variant Classification Sherloc (09022015). Collection method: clinical testing. Allele origin: germline.
Comment: This sequence change replaces glutamine, which is neutral and polar, with proline, which is neutral and non-polar, at codon 460 of the MYLK3 protein (p.Gln460Pro). This variant is not present in population databases (gnomAD no frequency). This variant has not been reported in the literature in individuals affected with MYLK3-related conditions. An algorithm developed to predict the effect of missense changes on protein structure and function (PolyPhen-2) suggests that this variant is likely to be tolerated. In summary, the available evidence is currently insufficient to determine the role of this variant in disease. Therefore, it has been classified as a Variant of Uncertain Significance.